The following is an entry in ClinVar:

NM_000152.5(GAA):c.1645G>C (p.Gly549Arg)

Gene: GAA (alpha glucosidase; plus strand). Cytogenetic location: 17q25.3.
Variant type: single nucleotide variant.
Coding change: c.1645G>C on transcript NM_000152.5 (MANE Select); coding-DNA position 1645, G replaced by C.
Protein change: p.Gly549Arg; replaces glycine 549 with arginine.
Molecular consequence: missense variant.
Genome position (GRCh38, 1-based): chr17:80,111,991, G>C. VCF-style: chr17-80111991-G-C. GRCh37 (hg19) VCF-style: chr17-78085790-G-C.
Other names: NM_000152.5(GAA):c.1645G>C; p.Gly549Arg; c.1645G>C, p.Gly549Arg (NM_001079803.3, NM_001079804.3, NM_001406741.1 and 1 more transcripts); short protein forms G549R.
Identifiers: ClinVar variation 3769497 (VCV003769497.5).
Genomic context (GRCh38, chr17:80,111,991, plus strand): 5'-TTGGAGCCTGCCGGGAGGAAGCTCCCTGGAAACCAGCCCCCGCCTCTTCCAGGGGTGGTT[G>C]GGGGGACCCTCCAGGCGGCCACCATCTGTGCCTCCAGCCACCAGTTTCTCTCCACACACT-3'
Protein context (NP_000143.2, residues 539-559): ENPPYVPGVV[Gly549Arg]GTLQAATICA

ClinVar aggregate classification (germline): Likely pathogenic. Review status: reviewed by expert panel (3 of 4 stars). 5 submissions from 5 submitters: Likely pathogenic (1). 4 of the submissions do not count toward it. Last evaluated 2025-07-01.

Conditions:
Glycogen storage disease, type II (IOPD). Also called: Glucosidase acid-1,4-alpha deficiency; Pompe Disease; POMPE DISEASE, INFANTILE-ONSET; GLYCOGEN STORAGE DISEASE II, INFANTILE-ONSET; ACID ALPHA-GLUCOSIDASE DEFICIENCY, INFANTILE-ONSET; GAA DEFICIENCY, INFANTILE-ONSET. Identifiers: Orphanet 365, MedGen C0017921, MONDO:0009290, OMIM 232300.

Submissions (5):

ClinGen Lysosomal Storage Disorder Variant Curation Expert Panel
Classification: Likely pathogenic for Glycogen storage disease, type II. Last evaluated: 2025-07-01. Review status: reviewed by expert panel. Criteria: clingen_lsd_acmg_specifications_v2-1. Collection method: curation. Allele origin: germline. Inheritance: Autosomal recessive inheritance.
Comment: The NM_000152.5:c.1645G>C variant in GAA is a missense variant predicted to cause substitution of glycine by arginine at amino acid 549 (p.Gly549Arg). At least 1 proband with this variant has been reported to be on enzyme replacement therapy for Pompe disease and was noted to have deficient GAA activity but results were not provided (PMID: 16917947, 28433478, 33426149) (PP4). This proband was compound heterozygous for the variant and c.692+1G>C (ClinVar Variation ID: 972793), which is classified as pathogenic by the ClinGen LD VCEP, confirmed in trans by DNA analysis of parents and/or other relatives (PMID: 16917947, 28433478, 33426149) (PM3). This variant is absent in gnomAD v4.1.0 (PM2_Supporting). In at least three different studies, expression of the variant in HEK cells, Ad5-SV40 immortalized human GAA-deficient fibroblast cells, or COS cells resulted in less than 10% of wild-type GAA activity and showed evidence of abnormal GAA processing. Western blot revealed presence of the active 76kDa GAA band, but at a lower level than wild type (PMID: 17213836, 17915575, 19862843). Given the number of functional studies performed in a variety of cell types, PS3 will be applied at the moderate level of strength (PS3_Moderate). Additionally, the computational predictor REVEL gives a score of 0.878, which is above the threshold of 0.7, evidence that correlates with impact to GAA function (PP3). The same amino acid change, resulting from a different nucleotide change c.1645G>A (PMID: 14695532, ClinVar Variation ID: 2202283), has been reported in a patient with Pompe disease. In addition, different missense changes at the same amino acid are reported including c.1646G>A (p.Gly549Glu), ClinVar Variation ID: 2091465 ), and c.1646G>C (p.Gly549Ala) (ClinVar Variation ID: 951481). None of these variants have been classified yet by the ClinGen LD VCEP and therefore neither PS1 nor PM5 was applied. There is a ClinVar entry for this variant (Variation ID: 3769497). In summary, this variant meets the criteria to be classified as likely pathogenic for Pompe disease based on the GAA-specific ACMG/AMP criteria applied, as specified by the ClinGen Lysosomal Diseases Variant Curation Expert Panel (Specifications Version 2.0): PS3_Moderate, PM2_Supporting, PM3, PP3, PP4. (Classification approved by the ClinGen Lysosomal Diseases Variant Curation Expert Panel on July 1, 2025).

Genomenon, Inc
Classification: Likely pathogenic for Glycogen storage disease, type II. Last evaluated: 2026-07-01. Review status: criteria provided, single submitter. Criteria: Genomenon Sequence Variant Interpretation Standards - Updated. Collection method: curation. Allele origin: germline. Affected: yes. Not counted in ClinVar's aggregate classification.
Comment: GAA p.Gly549Arg (c.1645G>C) is a missense variant that changes the amino acid at codon 549 from Glycine to Arginine. This variant has been observed in at least one proband with a GAA-related disorder in the compound heterozygous and/or homozygous state (PMID:24395639;19046416). At least one functional study has demonstrated a substantial alteration in protein function relative to the wild-type (PMID:28182897;19862843;17915575). It is absent or not present at a significant frequency in gnomAD. In silico models predict that this variant is possibly or probably damaging. In conclusion, we classify GAA p.Gly549Arg (c.1645G>C) as a likely pathogenic variant.

Myriad Genetics, Inc.
Classification: Likely pathogenic for Glycogen storage disease, type II. Last evaluated: 2026-05-11. Review status: criteria provided, single submitter. Criteria: Myriad Autosomal Dominant, Autosomal Recessive and X-Linked Classification Criteria (2023). Collection method: clinical testing. Allele origin: unknown. Not counted in ClinVar's aggregate classification.
Comment: NM_000152.3(GAA):c.1645G>C(G549R) is a missense variant classified as likely pathogenic in the context of Pompe disease. G549R has been observed in a case with relevant disease (PMID: 16917947). Relevant functional assessments of this variant are available in the literature (PMID: 14695532, 19862843, 17915575, 25036864). G549R has not been observed in referenced population frequency databases. In summary, NM_000152.3(GAA):c.1645G>C(G549R) is a missense variant that has functional support for pathogenicity and has been observed more frequently in cases with the relevant disease than in healthy populations. Please note: this variant was assessed in the context of healthy population screening.

Labcorp Genetics (formerly Invitae), Labcorp
Classification: Pathogenic for Glycogen storage disease, type II. Last evaluated: 2025-02-22. Review status: criteria provided, single submitter. Criteria: Invitae Variant Classification Sherloc (09022015). Collection method: clinical testing. Allele origin: germline. Not counted in ClinVar's aggregate classification.
Comment: This sequence change replaces glycine, which is neutral and non-polar, with arginine, which is basic and polar, at codon 549 of the GAA protein (p.Gly549Arg). This variant is not present in population databases (gnomAD no frequency). This missense change has been observed in individual(s) with Pompe disease (PMID: 14695532, 16917947). In at least one individual the data is consistent with being in trans (on the opposite chromosome) from a pathogenic variant. Invitae Evidence Modeling of protein sequence and biophysical properties (such as structural, functional, and spatial information, amino acid conservation, physicochemical variation, residue mobility, and thermodynamic stability) indicates that this missense variant is expected to disrupt GAA protein function with a positive predictive value of 95%. Experimental studies have shown that this missense change affects GAA function (PMID: 14695532, 16917947, 17213836, 19862843). For these reasons, this variant has been classified as Pathogenic.

Women's Health and Genetics/Laboratory Corporation of America, LabCorp
Classification: Pathogenic for Glycogen storage disease, type II. Last evaluated: 2025-01-21. Review status: criteria provided, single submitter. Criteria: LabCorp Variant Classification Summary - May 2015. Collection method: clinical testing. Allele origin: germline. Not counted in ClinVar's aggregate classification.
Comment: Variant summary: GAA c.1645G>C (p.Gly549Arg) results in a non-conservative amino acid change located in the Glycoside hydrolase family 31, TIM barrel domain (IPR000322) of the encoded protein sequence. Five of five in-silico tools predict a damaging effect of the variant on protein function. The variant was absent in 250432 control chromosomes. c.1645G>C has been reported in the literature together with a pathogenic variant in a compound heterozygous individual affected with Glycogen Storage Disease, Type 2 (Pompe Disease) who has been subsequently cited in other publications (e.g. Montalvo_2006, Parenti_2007, Flanagan_2009, deFilippi_2010). Publications report experimental evidence evaluating an impact on protein function, both in cells from this compound heterozygous patient and in vitro, and found that the variant results in <10% of normal activity (e.g. Montalvo_2006, Flanagan_2009). Additionally, a different variant resulting in the same amino acid effect (c.1645G>A) has been classified as pathogenic in ClinVar. The following publications have been ascertained in the context of this evaluation (PMID: 19862843, 16917947, 17213836, 20308911). No submitters have cited clinical-significance assessments for this variant to ClinVar. Based on the evidence outlined above, the variant was classified as pathogenic.

Literature cited by the submitters: PubMed 24395639 (cited by Genomenon, Inc); PubMed 19046416 (cited by Genomenon, Inc); PubMed 28182897 (cited by Genomenon, Inc); PubMed 19862843 (cited by 4 submitters); PubMed 17915575 (cited by Genomenon, Inc and Myriad Genetics, Inc.); PubMed 14695532 (cited by Myriad Genetics, Inc. and Labcorp Genetics (formerly Invitae), Labcorp); PubMed 16917947 (cited by 3 submitters); PubMed 25036864 (cited by Myriad Genetics, Inc.); PubMed 17213836 (cited by Labcorp Genetics (formerly Invitae), Labcorp and Women's Health and Genetics/Laboratory Corporation of America, LabCorp); PubMed 20308911 (cited by Women's Health and Genetics/Laboratory Corporation of America, LabCorp).